The following is an entry in ClinVar:

NM_004655.4(AXIN2):c.2439C>A (p.Ala813=)

Gene: AXIN2 (axin 2; minus strand). Cytogenetic location: 17q24.1.
Variant type: single nucleotide variant.
Coding change: c.2439C>A on transcript NM_004655.4 (MANE Select); coding-DNA position 2439, C replaced by A.
Protein change: p.Ala813=; no amino-acid change (alanine 813 retained).
Molecular consequence: synonymous variant.
Genome position (GRCh38, 1-based): chr17:65,530,069, G>T on the plus strand (C>A on the coding strand, the complement: AXIN2 is on the minus strand). VCF-style: chr17-65530069-G-T. GRCh37 (hg19) VCF-style: chr17-63526187-G-T.
Other names: c.2244C>A, p.Ala748= (NM_001363813.1).
Identifiers: ClinVar variation 3379120 (VCV003379120.1).
Genomic context (GRCh38, chr17:65,530,069, plus strand): 5'-GCCTTCATACATCGGGAGCACCGTCTCATCCTCCCAGATCTCCTCAAACACCGCTCCACA[G>T]GCAAACTCATCGCTTGCTTTTTTGAAGTAATACCTTAAAAGGAAAACCAAAAAAGCTTCT-3'
Protein context (NP_004646.3, residues 803-823): YYFKKASDEF[Ala813=]CGAVFEEIWE

ClinVar aggregate classification (germline): Benign (1 of 4 stars; one submission).

Conditions:
Oligodontia-cancer predisposition syndrome. Also called: TOOTH AGENESIS-COLORECTAL CANCER SYNDROME. Identifiers: Orphanet 300576, MedGen C1837750, MONDO:0012075, OMIM 608615. Disease mechanism: loss of function.

Submission:

Myriad Genetics, Inc.
Classification: Benign for Oligodontia-cancer predisposition syndrome. Last evaluated: 2024-07-11. Review status: criteria provided, single submitter. Criteria: Myriad Autosomal Dominant, Autosomal Recessive and X-Linked Classification Criteria (2023). Collection method: clinical testing. Allele origin: unknown.
Comment: This variant is considered benign. This variant is a silent/synonymous amino acid change and it is not expected to impact splicing.